The following is an entry in ClinVar:

ClinVar aggregate classification (germline): Uncertain significance (1 of 4 stars; one submission).

Submission:

Labcorp Genetics (formerly Invitae), Labcorp
Classification: Uncertain significance. Last evaluated: 2022-08-31. Review status: criteria provided, single submitter. Criteria: Invitae Variant Classification Sherloc (09022015). Collection method: clinical testing. Allele origin: germline.
Comment: ClinVar contains an entry for this variant (Variation ID: 1393591). This variant has not been reported in the literature in individuals affected with RCBTB1-related conditions. This variant is not present in population databases (gnomAD no frequency). This sequence change replaces histidine, which is basic and polar, with tyrosine, which is neutral and polar, at codon 244 of the RCBTB1 protein (p.His244Tyr). Algorithms developed to predict the effect of missense changes on protein structure and function (SIFT, PolyPhen-2, Align-GVGD) all suggest that this variant is likely to be disruptive. In summary, the available evidence is currently insufficient to determine the role of this variant in disease. Therefore, it has been classified as a Variant of Uncertain Significance.

NM_018191.4(RCBTB1):c.730C>T (p.His244Tyr)

Gene: RCBTB1 (RCC1 and BTB domain containing protein 1; minus strand). Cytogenetic location: 13q14.2.
Variant type: single nucleotide variant.
Coding change: c.730C>T on transcript NM_018191.4 (MANE Select); coding-DNA position 730, C replaced by T.
Protein change: p.His244Tyr; replaces histidine 244 with tyrosine.
Molecular consequence: missense variant. On other transcripts: non-coding transcript variant (2).
Genome position (GRCh38, 1-based): chr13:49,551,450, G>A on the plus strand (C>T on the coding strand, the complement: RCBTB1 is on the minus strand). VCF-style: chr13-49551450-G-A. GRCh37 (hg19) VCF-style: chr13-50125586-G-A.
Other names: c.730C>T, p.His244Tyr (NM_001352500.2, NM_001352501.2, NM_001352502.2 and 3 more transcripts); c.151C>T, p.His51Tyr (NM_001352506.2); short protein forms H244Y, H51Y.
Identifiers: ClinVar variation 1393591 (VCV001393591.6), dbSNP rs2139181067, ClinGen allele CA388190695.